The following is an entry in ClinVar:

NM_000520.6(HEXA):c.132T>G (p.Phe44Leu)

Gene: HEXA (hexosaminidase subunit alpha; minus strand). Cytogenetic location: 15q23.
Variant type: single nucleotide variant.
Coding change: c.132T>G on transcript NM_000520.6 (MANE Select); coding-DNA position 132, T replaced by G.
Protein change: p.Phe44Leu; replaces phenylalanine 44 with leucine.
Molecular consequence: missense variant. On other transcripts: non-coding transcript variant (1).
Genome position (GRCh38, 1-based): chr15:72,375,841, A>C on the plus strand (T>G on the coding strand, the complement: HEXA is on the minus strand). VCF-style: chr15-72375841-A-C. GRCh37 (hg19) VCF-style: chr15-72668182-A-C.
Other names: c.132T>G, p.Phe44Leu (NM_001318825.2); short protein forms F44L.
Identifiers: ClinVar variation 1435180 (VCV001435180.6), dbSNP rs1304040097, ClinGen allele CA393070458.

ClinVar aggregate classification (germline): Uncertain significance (1 of 4 stars; one submission).

Conditions:
Tay-Sachs disease (TSD). Also called: HEXA DEFICIENCY; GM2 gangliosidosis, type 1; Hexosaminidase alpha-subunit deficiency (variant B); Sphingolipidosis, Tay-Sachs; HEXA Disorders; Hexosaminidase A Deficiency. Identifiers: Orphanet 845, MedGen C0039373, MONDO:0010100, OMIM 272800.

Allele frequency attached by ClinVar (database versions not stated): gnomAD exomes below 0.00001; gnomAD 0.00001; TOPMed 0.00001.
gnomAD v4.1: 3 of 1,614,104 alleles (0.00019%); highest among the groups gnomAD compares: African/African-American, 0.0027%; no homozygotes.

Submission:

Labcorp Genetics (formerly Invitae), Labcorp
Classification: Uncertain significance for Tay-Sachs disease. Last evaluated: 2022-08-31. Review status: criteria provided, single submitter. Criteria: Invitae Variant Classification Sherloc (09022015). Collection method: clinical testing. Allele origin: germline.
Comment: This sequence change replaces phenylalanine, which is neutral and non-polar, with leucine, which is neutral and non-polar, at codon 44 of the HEXA protein (p.Phe44Leu). This variant is present in population databases (no rsID available, gnomAD 0.003%). This variant has not been reported in the literature in individuals affected with HEXA-related conditions. ClinVar contains an entry for this variant (Variation ID: 1435180). Algorithms developed to predict the effect of missense changes on protein structure and function are either unavailable or do not agree on the potential impact of this missense change (SIFT: "Tolerated"; PolyPhen-2: "Probably Damaging"; Align-GVGD: "Class C0"). In summary, the available evidence is currently insufficient to determine the role of this variant in disease. Therefore, it has been classified as a Variant of Uncertain Significance.